The following is an entry in ClinVar:

ClinVar aggregate classification (germline): Uncertain significance. Review status: criteria provided, multiple submitters, no conflicts (2 of 4 stars). 2 submissions from 2 submitters: Uncertain significance (2). Last evaluated 2025-04-07.

Conditions:
Hereditary nonpolyposis colorectal neoplasms. Identifiers: MedGen C0009405, MeSH D003123.
Hereditary cancer-predisposing syndrome. Also called: Neoplastic Syndromes, Hereditary; Hereditary Cancer Syndrome; Hereditary neoplastic syndrome; Tumor predisposition. Identifiers: Orphanet 140162, MedGen C0027672, MeSH D009386, MONDO:0015356.

Submissions (2):

Ambry Genetics
Classification: Uncertain significance for Hereditary cancer-predisposing syndrome. Last evaluated: 2025-04-07. Review status: criteria provided, single submitter. Criteria: Ambry Variant Classification Scheme 2023. Collection method: clinical testing. Allele origin: germline.
Comment: The p.F902L variant (also known as c.2706T>G), located in coding exon 4 of the MSH6 gene, results from a T to G substitution at nucleotide position 2706. The phenylalanine at codon 902 is replaced by leucine, an amino acid with highly similar properties. This amino acid position is conserved. In addition, this alteration is predicted to be deleterious by in silico analysis. Based on the available evidence, the clinical significance of this variant remains unclear.

Labcorp Genetics (formerly Invitae), Labcorp
Classification: Uncertain significance for Hereditary nonpolyposis colorectal neoplasms. Last evaluated: 2024-01-24. Review status: criteria provided, single submitter. Criteria: Invitae Variant Classification Sherloc (09022015). Collection method: clinical testing. Allele origin: germline.
Comment: This sequence change replaces phenylalanine, which is neutral and non-polar, with leucine, which is neutral and non-polar, at codon 902 of the MSH6 protein (p.Phe902Leu). This variant is not present in population databases (gnomAD no frequency). This variant has not been reported in the literature in individuals affected with MSH6-related conditions. Advanced modeling of protein sequence and biophysical properties (such as structural, functional, and spatial information, amino acid conservation, physicochemical variation, residue mobility, and thermodynamic stability) performed at Invitae indicates that this missense variant is not expected to disrupt MSH6 protein function with a negative predictive value of 95%. In summary, the available evidence is currently insufficient to determine the role of this variant in disease. Therefore, it has been classified as a Variant of Uncertain Significance.

NM_000179.3(MSH6):c.2706T>G (p.Phe902Leu)

Gene: MSH6 (mutS homolog 6; plus strand). Cytogenetic location: 2p16.3.
Variant type: single nucleotide variant.
Coding change: c.2706T>G on transcript NM_000179.3 (MANE Select); coding-DNA position 2706, T replaced by G.
Protein change: p.Phe902Leu; replaces phenylalanine 902 with leucine.
Molecular consequence: missense variant. On other transcripts: non-coding transcript variant (5), intron variant (2).
Genome position (GRCh38, 1-based): chr2:47,800,689, T>G. VCF-style: chr2-47800689-T-G. GRCh37 (hg19) VCF-style: chr2-48027828-T-G.
Other names: c.1800T>G, p.Phe600Leu (NM_001406812.1, NM_001406814.1, NM_001406815.1 and 6 more transcripts); c.2712T>G, p.Phe904Leu (NM_001406813.1); c.2706T>G, p.Phe902Leu (NM_001406798.1, NM_001406800.1, NM_001406808.1 and 2 more transcripts); c.2181T>G, p.Phe727Leu (NM_001406799.1, NM_001406807.1, NM_001406806.1); c.2409T>G, p.Phe803Leu (NM_001406801.1, NM_001406797.1, NM_001406805.1 and 10 more transcripts); c.2802T>G, p.Phe934Leu (NM_001406795.1, NM_001406802.1); c.2316T>G, p.Phe772Leu (NM_001281492.2); c.2628T>G, p.Phe876Leu (NM_001406804.1); and 4 more; short protein forms F217L, F600L, F846L, F902L, F934L, F727L, F876L, F803L.
Identifiers: ClinVar variation 2866960 (VCV002866960.4), dbSNP rs778472296, ClinGen allele CA346755330.
Genomic context (GRCh38, chr2:47,800,689, plus strand): 5'-TAAGTCTAAAATCCTTAAGCAGGTCATCTCTCTGCAGACAAAAAATCCTGAAGGTCGTTT[T>G]CCTGATTTGACTGTAGAATTGAACCGATGGGATACAGCCTTTGACCATGAAAAGGCTCGA-3'
Protein context (NP_000170.1, residues 892-912): SLQTKNPEGR[Phe902Leu]PDLTVELNRW